The following is an entry in ClinVar:

NM_005477.3(HCN4):c.1692C>T (p.Phe564=)

Gene: HCN4 (hyperpolarization activated cyclic nucleotide gated potassium channel 4; minus strand). Cytogenetic location: 15q24.1.
Variant type: single nucleotide variant.
Coding change: c.1692C>T on transcript NM_005477.3 (MANE Select); coding-DNA position 1692, C replaced by T.
Protein change: p.Phe564=; no amino-acid change (phenylalanine 564 retained).
Molecular consequence: synonymous variant.
Genome position (GRCh38, 1-based): chr15:73,325,343, G>A on the plus strand (C>T on the coding strand, the complement: HCN4 is on the minus strand). VCF-style: chr15-73325343-G-A. GRCh37 (hg19) VCF-style: chr15-73617684-G-A.
Identifiers: ClinVar variation 680421 (VCV000680421.2), dbSNP rs770857939, ClinGen allele CA7649228.

ClinVar aggregate classification (germline): Likely benign. Review status: criteria provided, multiple submitters, no conflicts (2 of 4 stars). 2 submissions from 2 submitters: Likely benign (2). Last evaluated 2024-01-03.

Conditions:
Cardiovascular phenotype. Identifiers: MedGen CN230736.

Allele frequency attached by ClinVar (database versions not stated): ExAC 0.00001; gnomAD 0.00001; gnomAD exomes 0.00001; TOPMed 0.00001.
gnomAD v4.1: 9 of 1,613,886 alleles (0.00056%); highest among the groups gnomAD compares: African/African-American, 0.004%; no homozygotes.

Submissions (2):

Ambry Genetics
Classification: Likely benign for Cardiovascular phenotype. Last evaluated: 2024-01-03. Review status: criteria provided, single submitter. Criteria: Ambry Variant Classification Scheme 2023. Collection method: clinical testing. Allele origin: germline.

GeneDx
Classification: Likely benign. Last evaluated: 2018-03-15. Review status: criteria provided, single submitter. Criteria: GeneDx Variant Classification (06012015). Collection method: clinical testing. Allele origin: germline. Affected: yes.
Comment: This variant is considered likely benign or benign based on one or more of the following criteria: it is a conservative change, it occurs at a poorly conserved position in the protein, it is predicted to be benign by multiple in silico algorithms, and/or has population frequency not consistent with disease.